The following is an entry in ClinVar:

NM_058246.4(DNAJB6):c.571A>G (p.Ile191Val)

Gene: DNAJB6 (DnaJ heat shock protein family (Hsp40) member B6; plus strand). Cytogenetic location: 7q36.3.
Variant type: single nucleotide variant.
Coding change: c.571A>G on transcript NM_058246.4 (MANE Select); coding-DNA position 571, A replaced by G.
Protein change: p.Ile191Val; replaces isoleucine 191 with valine.
Molecular consequence: missense variant. On other transcripts: intron variant (1).
Genome position (GRCh38, 1-based): chr7:157,384,959, A>G. VCF-style: chr7-157384959-A-G. GRCh37 (hg19) VCF-style: chr7-157177653-A-G.
Other names: c.571A>G, p.Ile191Val (NM_005494.3); c.346+17476A>G (NM_001363676.1); short protein forms I191V.
Identifiers: ClinVar variation 286445 (VCV000286445.13), dbSNP rs886043396, ClinGen allele CA10605467.

ClinVar aggregate classification (germline): Uncertain significance. Review status: criteria provided, multiple submitters, no conflicts (2 of 4 stars). 2 submissions from 2 submitters: Uncertain significance (2). Last evaluated 2018-12-30.

Conditions:
Autosomal dominant limb-girdle muscular dystrophy type 1D (DNAJB6) (LGMDD1). Also called: MUSCULAR DYSTROPHY, LIMB-GIRDLE, TYPE 1D; MUSCULAR DYSTROPHY, AUTOSOMAL DOMINANT, WITH RIMMED VACUOLES; Autosomal dominant limb-girdle muscular dystrophy type 1D; Muscular dystrophy, limb-girdle, autosomal dominant 1. Identifiers: Orphanet 34516, MedGen C4721885, MONDO:0021018, OMIM 603511.

Submissions (2):

Labcorp Genetics (formerly Invitae), Labcorp
Classification: Uncertain significance for Autosomal dominant limb-girdle muscular dystrophy type 1D (DNAJB6). Last evaluated: 2018-12-30. Review status: criteria provided, single submitter. Criteria: Invitae Variant Classification Sherloc (09022015). Collection method: clinical testing. Allele origin: germline.
Comment: In summary, the available evidence is currently insufficient to determine the role of this variant in disease. Therefore, it has been classified as a Variant of Uncertain Significance. Algorithms developed to predict the effect of sequence changes on RNA splicing suggest that this variant may create or strengthen a splice site, but this prediction has not been confirmed by published transcriptional studies. Algorithms developed to predict the effect of missense changes on protein structure and function output the following: SIFT: "Tolerated"; PolyPhen-2: "Not Available"; Align-GVGD: "Class C0". The valine amino acid residue is found in multiple mammalian species, suggesting that this missense change does not adversely affect protein function. These predictions have not been confirmed by published functional studies and their clinical significance is uncertain. This variant has not been reported in the literature in individuals with DNAJB6-related conditions. ClinVar contains an entry for this variant (Variation ID: 286445). This variant is not present in population databases (ExAC no frequency). This sequence change replaces isoleucine with valine at codon 191 of the DNAJB6 protein (p.Ile191Val). The isoleucine residue is weakly conserved and there is a small physicochemical difference between isoleucine and valine.

Eurofins Ntd Llc (ga)
Classification: Uncertain significance. Last evaluated: 2016-03-01. Review status: criteria provided, single submitter. Criteria: EGL Classification Definitions 2015. Collection method: clinical testing. Allele origin: germline. Observed: 1 variant allele, 1 heterozygote.